The following is an entry in ClinVar:

ClinVar aggregate classification (germline): Uncertain significance. Review status: criteria provided, single submitter (1 of 4 stars). 2 submissions from 2 submitters: Uncertain significance (1). 1 of the submissions does not count toward it. Last evaluated 2024-03-14.

Conditions:
Usher syndrome type 1B (USH1B). Also called: Usher syndrome type IB. Identifiers: MedGen C1848638, MONDO:0700087.

Allele frequency attached by ClinVar (database versions not stated): gnomAD exomes 0.00001; ExAC 0.00002.
gnomAD v4.1: 5 of 1,612,292 alleles (0.00031%); highest among the groups gnomAD compares: Non-Finnish European, 0.00042%; no homozygotes.

Submissions (2):

Labcorp Genetics (formerly Invitae), Labcorp
Classification: Uncertain significance. Last evaluated: 2024-03-14. Review status: criteria provided, single submitter. Criteria: Invitae Variant Classification Sherloc (09022015). Collection method: clinical testing. Allele origin: germline.
Comment: This sequence change replaces lysine, which is basic and polar, with isoleucine, which is neutral and non-polar, at codon 742 of the MYO7A protein (p.Lys742Ile). This variant is present in population databases (rs782417254, gnomAD 0.003%). This variant has not been reported in the literature in individuals affected with MYO7A-related conditions. ClinVar contains an entry for this variant (Variation ID: 967235). Advanced modeling of protein sequence and biophysical properties (such as structural, functional, and spatial information, amino acid conservation, physicochemical variation, residue mobility, and thermodynamic stability) performed at Invitae indicates that this missense variant is not expected to disrupt MYO7A protein function with a negative predictive value of 95%. In summary, the available evidence is currently insufficient to determine the role of this variant in disease. Therefore, it has been classified as a Variant of Uncertain Significance.

Natera, Inc.
Classification: Uncertain significance for Usher syndrome type 1B. Last evaluated: 2021-03-04. Review status: no assertion criteria provided. Collection method: clinical testing. Allele origin: germline. Not counted in ClinVar's aggregate classification.

NM_000260.4(MYO7A):c.2225A>T (p.Lys742Ile)

Gene: MYO7A (myosin VIIA; plus strand). Cytogenetic location: 11q13.5.
Variant type: single nucleotide variant.
Coding change: c.2225A>T on transcript NM_000260.4 (MANE Select); coding-DNA position 2225, A replaced by T.
Protein change: p.Lys742Ile; replaces lysine 742 with isoleucine.
Molecular consequence: missense variant.
Genome position (GRCh38, 1-based): chr11:77,177,586, A>T. VCF-style: chr11-77177586-A-T. GRCh37 (hg19) VCF-style: chr11-76888632-A-T.
Other names: c.2225A>T, p.Lys742Ile (NM_001127180.2); c.2192A>T, p.Lys731Ile (NM_001369365.1); short protein forms K731I, K742I.
Identifiers: ClinVar variation 967235 (VCV000967235.10), dbSNP rs782417254, ClinGen allele CA6197765.